The following is an entry in ClinVar:

ClinVar aggregate classification (germline): Uncertain significance (1 of 4 stars; one submission).

Submission:

Ambry Genetics
Classification: Uncertain significance. Last evaluated: 2025-04-01. Review status: criteria provided, single submitter. Criteria: Ambry Variant Classification Scheme 2023. Collection method: clinical testing. Allele origin: germline.
Comment: The p.K204E variant (also known as c.610A>G), located in coding exon 3 of the GALNT12 gene, results from an A to G substitution at nucleotide position 610. The lysine at codon 204 is replaced by glutamic acid, an amino acid with similar properties. This amino acid position is conserved. In addition, the in silico prediction for this alteration is inconclusive. Since supporting evidence is limited at this time, the clinical significance of this alteration remains unclear.

NM_024642.5(GALNT12):c.610A>G (p.Lys204Glu)

Gene: GALNT12 (polypeptide N-acetylgalactosaminyltransferase 12; plus strand). Cytogenetic location: 9q22.33.
Variant type: single nucleotide variant.
Coding change: c.610A>G on transcript NM_024642.5 (MANE Select); coding-DNA position 610, A replaced by G.
Protein change: p.Lys204Glu; replaces lysine 204 with glutamic acid.
Molecular consequence: missense variant.
Genome position (GRCh38, 1-based): chr9:98,826,820, A>G. VCF-style: chr9-98826820-A-G. GRCh37 (hg19) VCF-style: chr9-101589102-A-G.
Other names: short protein forms K204E.
Identifiers: ClinVar variation 1751658 (VCV001751658.3), dbSNP rs1183829988, ClinGen allele CA374217499.